The following is an entry in ClinVar:

NM_004973.4(JARID2):c.968A>G (p.Lys323Arg)

Gene: JARID2 (jumonji and AT-rich interaction domain containing 2; plus strand). Cytogenetic location: 6p22.3.
Variant type: single nucleotide variant.
Coding change: c.968A>G on transcript NM_004973.4 (MANE Select); coding-DNA position 968, A replaced by G.
Protein change: p.Lys323Arg; replaces lysine 323 with arginine.
Molecular consequence: missense variant.
Genome position (GRCh38, 1-based): chr6:15,496,193, A>G. VCF-style: chr6-15496193-A-G. GRCh37 (hg19) VCF-style: chr6-15496424-A-G.
Other names: c.452A>G, p.Lys151Arg (NM_001267040.1); short protein forms K151R, K323R.
Identifiers: ClinVar variation 4994431 (VCV004994431.1).

ClinVar aggregate classification (germline): Uncertain significance (1 of 4 stars; one submission).

Conditions:
JARID2-related disorder. Also called: JARID2-related condition.

Submission:

PreventionGenetics, part of Exact Sciences
Classification: Uncertain significance for JARID2-related condition. Last evaluated: 2026-04-01. Review status: criteria provided, single submitter. Criteria: ACMG Guidelines, 2015. Collection method: clinical testing. Allele origin: germline.
Comment: The JARID2 c.968A>G variant is predicted to result in the amino acid substitution p.Lys323Arg. To our knowledge, this variant has not been reported in the literature or in a large population database (gnomAD), indicating this variant is rare. At this time, the clinical significance of this variant is uncertain due to the absence of conclusive functional and genetic evidence.